The following is an entry in ClinVar:

NM_177438.3(DICER1):c.943C>T (p.Pro315Ser)

Gene: DICER1 (dicer 1, ribonuclease III; minus strand). Cytogenetic location: 14q32.13.
Variant type: single nucleotide variant.
Coding change: c.943C>T on transcript NM_177438.3 (MANE Select); coding-DNA position 943, C replaced by T.
Protein change: p.Pro315Ser; replaces proline 315 with serine.
Molecular consequence: missense variant. On other transcripts: 5 prime UTR variant (1), non-coding transcript variant (6).
Genome position (GRCh38, 1-based): chr14:95,124,629, G>A on the plus strand (C>T on the coding strand, the complement: DICER1 is on the minus strand). VCF-style: chr14-95124629-G-A. GRCh37 (hg19) VCF-style: chr14-95590966-G-A.
Other names: c.943C>T, p.Pro315Ser (NM_001195573.1, NM_001271282.3, NM_001291628.2 and 14 more transcripts); c.661C>T, p.Pro221Ser (NM_001395686.1); c.538C>T, p.Pro180Ser (NM_001395687.1, NM_001395688.1, NM_001395689.1 and 3 more transcripts); c.376C>T, p.Pro126Ser (NM_001395691.1); c.-626C>T (NM_001395697.1); short protein forms P180S, P315S, P126S, P221S.
Identifiers: ClinVar variation 3501907 (VCV003501907.1).

ClinVar aggregate classification (germline): Uncertain significance (1 of 4 stars; one submission).

Conditions:
Hereditary cancer-predisposing syndrome. Also called: Tumor predisposition; Neoplastic Syndromes, Hereditary; Hereditary Cancer Syndrome; Hereditary neoplastic syndrome. Identifiers: Orphanet 140162, MedGen C0027672, MeSH D009386, MONDO:0015356.

Submission:

Ambry Genetics
Classification: Uncertain significance for Hereditary cancer-predisposing syndrome. Last evaluated: 2024-09-21. Review status: criteria provided, single submitter. Criteria: Ambry Variant Classification Scheme 2023. Collection method: clinical testing. Allele origin: germline.
Comment: The p.P315S variant (also known as c.943C>T), located in coding exon 7 of the DICER1 gene, results from a C to T substitution at nucleotide position 943. The proline at codon 315 is replaced by serine, an amino acid with similar properties. This amino acid position is conserved. In addition, the in silico prediction for this alteration is inconclusive. Based on the available evidence, the clinical significance of this variant remains unclear.